The following is an entry in ClinVar:

NM_014516.4(CNOT3):c.530G>A (p.Arg177His)

Gene: CNOT3 (CCR4-NOT transcription complex subunit 3; plus strand). Cytogenetic location: 19q13.42.
Variant type: single nucleotide variant.
Coding change: c.530G>A on transcript NM_014516.4 (MANE Select); coding-DNA position 530, G replaced by A.
Protein change: p.Arg177His; replaces arginine 177 with histidine.
Molecular consequence: missense variant. On other transcripts: 5 prime UTR variant (2), non-coding transcript variant (2).
Genome position (GRCh38, 1-based): chr19:54,145,644, G>A. VCF-style: chr19-54145644-G-A. GRCh37 (hg19) VCF-style: chr19-54649380-G-A.
Other names: c.530G>A, p.Arg177His (NM_001440656.1, NM_001440658.1, NM_001440664.1 and 1 more transcripts); c.533G>A, p.Arg178His (NM_001440657.1, NM_001440661.1, NM_001440662.1 and 3 more transcripts); c.-14G>A (NM_001440659.1, NM_001440660.1); short protein forms R177H, R178H.
Identifiers: ClinVar variation 4077293 (VCV004077293.2).
Genomic context (GRCh38, chr19:54,145,644, plus strand): 5'-GGGCTCGCCAGCAGAAGCAGGACCGGATTGAGGGCTTGAAGCGGCACATCGAGAAGCACC[G>A]CTACCACGTGCGCATGCTAGAGACCATCCTGCGCATGCTGGACAATGACTCCATCCTCGT-3'
Protein context (NP_055331.1, residues 167-187): EGLKRHIEKH[Arg177His]YHVRMLETIL

ClinVar aggregate classification (germline): Uncertain significance (1 of 4 stars; one submission).

gnomAD v4.1: 2 of 1,613,836 alleles (0.00012%); highest among the groups gnomAD compares: Non-Finnish European, 0.00017%; no homozygotes.

Submission:

GeneDx
Classification: Uncertain significance. Last evaluated: 2026-08-16. Review status: criteria provided, single submitter. Criteria: GeneDx Variant Classification Process June 2021. Collection method: clinical testing. Allele origin: germline.
Comment: Not observed at significant frequency in large population cohorts (gnomAD); In silico analysis supports that this missense variant has a deleterious effect on protein structure/function; Has not been previously published as pathogenic or benign to our knowledge